The following is an entry in ClinVar:

NM_001367549.1(ATP13A3):c.2813T>A (p.Val938Glu)

Gene: ATP13A3 (ATPase 13A3; minus strand). Cytogenetic location: 3q29.
Variant type: single nucleotide variant.
Coding change: c.2813T>A on transcript NM_001367549.1 (MANE Select); coding-DNA position 2813, T replaced by A.
Protein change: p.Val938Glu; replaces valine 938 with glutamic acid.
Molecular consequence: missense variant. On other transcripts: non-coding transcript variant (2).
Genome position (GRCh38, 1-based): chr3:194,429,739, A>T on the plus strand (T>A on the coding strand, the complement: ATP13A3 is on the minus strand). VCF-style: chr3-194429739-A-T. GRCh37 (hg19) VCF-style: chr3-194150468-A-T.
Other names: c.2732T>A, p.Val911Glu (NM_001374836.1); c.2813T>A, p.Val938Glu (NM_024524.4); short protein forms V911E, V938E.
Identifiers: ClinVar variation 3617419 (VCV003617419.2).
Genomic context (GRCh38, chr3:194,429,739, plus strand): 5'-GAATACAGCAGAGTAACACTGAAGTACTGGATAATGCTGTACAATGCCATGAATTTAAAC[A>T]CACAGAAGGAAGTTATTAAAGCAGCACGGCCTTCCCTGTGAAAAGAAATCAAATGTCGGC-3'
Protein context (NP_001354478.1, residues 928-948): GRAALITSFC[Val938Glu]FKFMALYSII

ClinVar aggregate classification (germline): Uncertain significance (1 of 4 stars; one submission).

Submission:

Labcorp Genetics (formerly Invitae), Labcorp
Classification: Uncertain significance. Last evaluated: 2024-05-01. Review status: criteria provided, single submitter. Criteria: Invitae Variant Classification Sherloc (09022015). Collection method: clinical testing. Allele origin: germline.
Comment: This sequence change replaces valine, which is neutral and non-polar, with glutamic acid, which is acidic and polar, at codon 938 of the ATP13A3 protein (p.Val938Glu). This variant is not present in population databases (gnomAD no frequency). This variant has not been reported in the literature in individuals affected with ATP13A3-related conditions. Advanced modeling of protein sequence and biophysical properties (such as structural, functional, and spatial information, amino acid conservation, physicochemical variation, residue mobility, and thermodynamic stability) performed at Invitae indicates that this missense variant is not expected to disrupt ATP13A3 protein function with a negative predictive value of 80%. In summary, the available evidence is currently insufficient to determine the role of this variant in disease. Therefore, it has been classified as a Variant of Uncertain Significance.